The following is an entry in ClinVar:

ClinVar aggregate classification (germline): Likely benign. Review status: criteria provided, single submitter (1 of 4 stars). 2 submissions from 2 submitters: Likely benign (1). 1 of the submissions does not count toward it. Last evaluated 2025-11-24.

Conditions:
GFM1-related disorder. Also called: GFM1-related condition.

Allele frequency attached by ClinVar (database versions not stated): gnomAD 0.00001; gnomAD exomes below 0.00001; TOPMed below 0.00001.

Submissions (2):

Labcorp Genetics (formerly Invitae), Labcorp
Classification: Likely benign. Last evaluated: 2025-11-24. Review status: criteria provided, single submitter. Criteria: Invitae Variant Classification Sherloc (09022015). Collection method: clinical testing. Allele origin: germline.

PreventionGenetics, part of Exact Sciences
Classification: Likely benign for GFM1-related condition. Last evaluated: 2019-02-26. Review status: no assertion criteria provided. Collection method: clinical testing. Allele origin: germline. Not counted in ClinVar's aggregate classification.
Comment: This variant is classified as likely benign based on ACMG/AMP sequence variant interpretation guidelines (Richards et al. 2015 PMID: 25741868, with internal and published modifications).

NM_024996.7(GFM1):c.1851C>T (p.His617=)

Gene: GFM1 (G elongation factor mitochondrial 1; plus strand). Cytogenetic location: 3q25.32.
Variant type: single nucleotide variant.
Coding change: c.1851C>T on transcript NM_024996.7 (MANE Select); coding-DNA position 1851, C replaced by T.
Protein change: p.His617=; no amino-acid change (histidine 617 retained).
Molecular consequence: synonymous variant. On other transcripts: non-coding transcript variant (2).
Genome position (GRCh38, 1-based): chr3:158,684,610, C>T. VCF-style: chr3-158684610-C-T. GRCh37 (hg19) VCF-style: chr3-158402399-C-T.
Other names: c.1908C>T (NM_001308164.1); c.1908C>T, p.His636= (NM_001308164.2); c.1770C>T, p.His590= (NM_001374355.1); c.1734C>T, p.His578= (NM_001374356.1); c.1626C>T, p.His542= (NM_001374357.1); c.1392C>T, p.His464= (NM_001374358.1); c.1284C>T, p.His428= (NM_001374359.1, NM_001374360.1); c.1167C>T, p.His389= (NM_001374361.1).
Identifiers: ClinVar variation 1120457 (VCV001120457.11), dbSNP rs866662738, ClinGen allele CA86528381.